The following is an entry in ClinVar:

NM_172364.5(CACNA2D4):c.3035A>T (p.Asp1012Val)

Gene: CACNA2D4 (calcium voltage-gated channel auxiliary subunit alpha2delta 4; minus strand). Cytogenetic location: 12p13.33.
Variant type: single nucleotide variant.
Coding change: c.3035A>T on transcript NM_172364.5 (MANE Select); coding-DNA position 3035, A replaced by T.
Protein change: p.Asp1012Val; replaces aspartic acid 1012 with valine.
Molecular consequence: missense variant.
Genome position (GRCh38, 1-based): chr12:1,797,496, T>A on the plus strand (A>T on the coding strand, the complement: CACNA2D4 is on the minus strand). VCF-style: chr12-1797496-T-A. GRCh37 (hg19) VCF-style: chr12-1906662-T-A.
Other names: short protein forms D1012V.
Identifiers: ClinVar variation 2070035 (VCV002070035.4), dbSNP rs2497690764, ClinGen allele CA383348585.

ClinVar aggregate classification (germline): Uncertain significance (1 of 4 stars; one submission).

Submission:

Labcorp Genetics (formerly Invitae), Labcorp
Classification: Uncertain significance. Last evaluated: 2022-01-02. Review status: criteria provided, single submitter. Criteria: Invitae Variant Classification Sherloc (09022015). Collection method: clinical testing. Allele origin: germline.
Comment: In summary, the available evidence is currently insufficient to determine the role of this variant in disease. Therefore, it has been classified as a Variant of Uncertain Significance. Algorithms developed to predict the effect of missense changes on protein structure and function are either unavailable or do not agree on the potential impact of this missense change (SIFT: "Deleterious"; PolyPhen-2: "Benign"; Align-GVGD: "Class C0"). This variant has not been reported in the literature in individuals affected with CACNA2D4-related conditions. This variant is not present in population databases (gnomAD no frequency). This sequence change replaces aspartic acid, which is acidic and polar, with valine, which is neutral and non-polar, at codon 1012 of the CACNA2D4 protein (p.Asp1012Val).